The following is an entry in ClinVar:

NM_007294.4(BRCA1):c.1531G>A (p.Gly511Ser)

Gene: BRCA1 (BRCA1 DNA repair associated; minus strand). Cytogenetic location: 17q21.31.
Variant type: single nucleotide variant.
Coding change: c.1531G>A on transcript NM_007294.4 (MANE Select); coding-DNA position 1531, G replaced by A.
Protein change: p.Gly511Ser; replaces glycine 511 with serine.
Molecular consequence: missense variant. On other transcripts: intron variant (137).
Genome position (GRCh38, 1-based): chr17:43,094,000, C>T on the plus strand (G>A on the coding strand, the complement: BRCA1 is on the minus strand). VCF-style: chr17-43094000-C-T. GRCh37 (hg19) VCF-style: chr17-41246017-C-T.
Other names: c.1531G>A, p.Gly511Ser (NM_001407603.1, NM_001407605.1, NM_001407616.1 and 30 more transcripts); c.1528G>A, p.Gly510Ser (NM_001407610.1, NM_001407611.1, NM_001407612.1 and 22 more transcripts); c.1522G>A, p.Gly508Ser (NM_001407647.1, NM_001407646.1); c.1408G>A, p.Gly470Ser (NM_001407648.1, NM_001407668.1, NM_001407669.1 and 19 more transcripts); c.1405G>A, p.Gly469Ser (NM_001407649.1, NM_001407670.1, NM_001407671.1 and 11 more transcripts); c.1453G>A, p.Gly485Ser (NM_001407653.1, NM_001407654.1, NM_001407655.1 and 4 more transcripts); c.1390G>A, p.Gly464Ser (NM_001407692.1, NM_001407694.1, NM_001407695.1 and 29 more transcripts); c.1387G>A, p.Gly463Ser (NM_001407740.1, NM_001407741.1, NM_001407838.1 and 20 more transcripts); and 40 more; short protein forms G511S, G464S, G343S, G399S, G508S, G215S, G422S, G441S.
Identifiers: ClinVar variation 581890 (VCV000581890.18), dbSNP rs1567799248, ClinGen allele CA10598989.

ClinVar aggregate classification (germline): Conflicting classifications of pathogenicity. Review status: criteria provided, conflicting classifications (1 of 4 stars). 6 submissions from 6 submitters: Uncertain significance (5); Likely benign (1). Last evaluated 2026-01-05.

Conditions:
Hereditary cancer-predisposing syndrome. Also called: Tumor predisposition; Neoplastic Syndromes, Hereditary; Hereditary Cancer Syndrome; Hereditary neoplastic syndrome. Identifiers: Orphanet 140162, MedGen C0027672, MeSH D009386, MONDO:0015356.
Breast-ovarian cancer, familial, susceptibility to, 1 (BROVCA1). Also called: BRCA1 Hereditary Breast and Ovarian Cancer; OVARIAN CANCER, SUSCEPTIBILITY TO. Identifiers: Orphanet 145, MedGen C2676676, MONDO:0011450, OMIM 604370. Disease mechanism: loss of function.
Hereditary breast ovarian cancer syndrome. Also called: Hereditary breast and ovarian cancer; Hereditary breast and ovarian cancer syndrome; Hereditary breast and ovarian cancer syndrome (HBOC); Breast and ovarian cancer; BRCA1- and BRCA2-Associated Hereditary Breast and Ovarian Cancer; Hereditary breast and/or ovarian cancer syndrome. Identifiers: Orphanet 145, MedGen C0677776, MeSH D061325, MONDO:0003582. Disease mechanism: loss of function.
BRCA1-related disorder. Also called: BRCA1-related condition.

Submissions (6):

Women's Health and Genetics/Laboratory Corporation of America, LabCorp
Classification: Uncertain significance. Last evaluated: 2026-01-05. Review status: criteria provided, single submitter. Criteria: LabCorp Variant Classification Summary - May 2015. Collection method: clinical testing. Allele origin: germline.

PreventionGenetics, part of Exact Sciences
Classification: Uncertain significance for BRCA1-related condition. Last evaluated: 2025-09-26. Review status: criteria provided, single submitter. Criteria: ACMG Guidelines, 2015. Collection method: clinical testing. Allele origin: germline.
Comment: The BRCA1 c.1531G>A variant is predicted to result in the amino acid substitution p.Gly511Ser. To our knowledge, this variant has not been reported in the literature or in a large population database (gnomAD), indicating this variant is rare. This variant occurs within a region of the BRCA1 gene that is predicted to be tolerant to missense variation (Table 2, Dines et al. 2020. PubMed ID: 31911673). This variant has interpretations ranging from likely benign to uncertain in ClinVar (Variation ID: 581890). At this time, the clinical significance of this variant is uncertain due to the absence of conclusive functional and genetic evidence.

Ambry Genetics
Classification: Uncertain significance for Hereditary cancer-predisposing syndrome. Last evaluated: 2023-08-23. Review status: criteria provided, single submitter. Criteria: Ambry Variant Classification Scheme 2023. Collection method: clinical testing. Allele origin: germline.
Comment: The p.G511S variant (also known as c.1531G>A), located in coding exon 9 of the BRCA1 gene, results from a G to A substitution at nucleotide position 1531. The glycine at codon 511 is replaced by serine, an amino acid with similar properties. This amino acid position is not well conserved in available vertebrate species, and serine is the reference amino acid in other vertebrate species. In addition, the in silico prediction for this alteration is inconclusive. Since supporting evidence is limited at this time, the clinical significance of this alteration remains unclear.

University of Washington Department of Laboratory Medicine, University of Washington
Classification: Likely benign for Hereditary cancer-predisposing syndrome. Last evaluated: 2023-03-23. Review status: criteria provided, single submitter. Criteria: Dines et al. (Genet Med. 2020). Collection method: curation. Allele origin: germline.
Comment: Missense variant in a coldspot region where missense variants are very unlikely to be pathogenic (PMID:31911673).

BRCA1 coldspot (exon 11 using historical exon numbering). Reclassification based on statistical prior probability

All of Us Research Program, National Institutes of Health
Classification: Uncertain significance for Breast-ovarian cancer, familial, susceptibility to, 1. Last evaluated: 2023-01-10. Review status: criteria provided, single submitter. Criteria: ACMG Guidelines, 2015. Collection method: clinical testing. Allele origin: germline. Inheritance: Autosomal dominant inheritance. Observed: 1 variant allele, 1 heterozygote.
Comment: This missense variant replaces glycine with serine at codon 511 of the BRCA1 protein. Computational prediction suggests that this variant may not impact protein structure and function (internally defined REVEL score threshold <= 0.5, PMID: 27666373). To our knowledge, functional studies have not been reported for this variant. This variant has not been reported in individuals affected with hereditary cancer in the literature. This variant has not been identified in the general population by the Genome Aggregation Database (gnomAD). The available evidence is insufficient to determine the role of this variant in disease conclusively. Therefore, this variant is classified as a Variant of Uncertain Significance.

This study involves interpretation of variants in research participants for the purpose of population health screening. Participant phenotype was not available at the time of variant classification. Additional details can be found in publication PMID: 35346344, PMCID: PMC8962531

Labcorp Genetics (formerly Invitae), Labcorp
Classification: Uncertain significance for Hereditary breast ovarian cancer syndrome. Last evaluated: 2022-09-13. Review status: criteria provided, single submitter. Criteria: Invitae Variant Classification Sherloc (09022015). Collection method: clinical testing. Allele origin: germline.
Comment: This sequence change replaces glycine, which is neutral and non-polar, with serine, which is neutral and polar, at codon 511 of the BRCA1 protein (p.Gly511Ser). This variant is not present in population databases (gnomAD no frequency). This variant has not been reported in the literature in individuals affected with BRCA1-related conditions. ClinVar contains an entry for this variant (Variation ID: 581890). Advanced modeling of protein sequence and biophysical properties (such as structural, functional, and spatial information, amino acid conservation, physicochemical variation, residue mobility, and thermodynamic stability) performed at Invitae indicates that this missense variant is not expected to disrupt BRCA1 protein function. In summary, the available evidence is currently insufficient to determine the role of this variant in disease. Therefore, it has been classified as a Variant of Uncertain Significance.